The following is an entry in ClinVar:

ClinVar aggregate classification (germline): Pathogenic (1 of 4 stars; one submission).

Submission:

Labcorp Genetics (formerly Invitae), Labcorp
Classification: Pathogenic. Last evaluated: 2022-04-15. Review status: criteria provided, single submitter. Criteria: Invitae Variant Classification Sherloc (09022015). Collection method: clinical testing. Allele origin: germline.
Comment: This variant has not been reported in the literature in individuals affected with ADAMTS17-related conditions. For these reasons, this variant has been classified as Pathogenic. This variant is not present in population databases (gnomAD no frequency). This sequence change creates a premature translational stop signal (p.Gln269*) in the ADAMTS17 gene. It is expected to result in an absent or disrupted protein product. Loss-of-function variants in ADAMTS17 are known to be pathogenic (PMID: 19836009, 24940034).

Literature cited by the submitters: PubMed 19836009; PubMed 24940034.

NM_139057.4(ADAMTS17):c.805C>T (p.Gln269Ter)

Gene: ADAMTS17 (ADAM metallopeptidase with thrombospondin type 1 motif 17; minus strand). Cytogenetic location: 15q26.3.
Variant type: single nucleotide variant.
Coding change: c.805C>T on transcript NM_139057.4 (MANE Select); coding-DNA position 805, C replaced by T.
Protein change: p.Gln269Ter; replaces glutamine 269 with a stop codon.
Molecular consequence: nonsense.
Genome position (GRCh38, 1-based): chr15:100,262,420, G>A on the plus strand (C>T on the coding strand, the complement: ADAMTS17 is on the minus strand). VCF-style: chr15-100262420-G-A. GRCh37 (hg19) VCF-style: chr15-100802625-G-A.
Other names: short protein forms Q269*.
Identifiers: ClinVar variation 2126569 (VCV002126569.4), dbSNP rs2548797919, ClinGen allele CA393940640.